The following is an entry in ClinVar:

NM_018206.6(VPS35):c.1317T>C (p.Tyr439=)

Gene: VPS35 (VPS35 retromer complex component; minus strand). Cytogenetic location: 16q11.2.
Variant type: single nucleotide variant.
Coding change: c.1317T>C on transcript NM_018206.6 (MANE Select); coding-DNA position 1317, T replaced by C.
Protein change: p.Tyr439=; no amino-acid change (tyrosine 439 retained).
Molecular consequence: synonymous variant.
Genome position (GRCh38, 1-based): chr16:46,672,316, A>G on the plus strand (T>C on the coding strand, the complement: VPS35 is on the minus strand). VCF-style: chr16-46672316-A-G. GRCh37 (hg19) VCF-style: chr16-46706228-A-G.
Identifiers: ClinVar variation 884713 (VCV000884713.8), dbSNP rs187425753, ClinGen allele CA8036851.

ClinVar aggregate classification (germline): Likely benign. Review status: criteria provided, multiple submitters, no conflicts (2 of 4 stars). 2 submissions from 2 submitters: Likely benign (2). Last evaluated 2022-07-15.

Conditions:
Parkinson disease 17 (PARK17). Also called: VPS35-Related Parkinson Disease. Identifiers: Orphanet 411602, MedGen C3280133, MONDO:0013625, OMIM 614203.

Allele frequency attached by ClinVar (database versions not stated): TOPMed 0.00001; gnomAD 0.00002 and 0.00011; gnomAD exomes 0.00006 and 0.00022; ExAC 0.00007; 1000 Genomes Project 0.00060; 1000 Genomes Project 30x 0.00062.
gnomAD v4.1: 336 of 1,613,884 alleles (0.021%); highest among the groups gnomAD compares: East Asian, 0.73%; 1 homozygote.

Submissions (2):

Labcorp Genetics (formerly Invitae), Labcorp
Classification: Likely benign for Parkinson disease 17. Last evaluated: 2022-07-15. Review status: criteria provided, single submitter. Criteria: Invitae Variant Classification Sherloc (09022015). Collection method: clinical testing. Allele origin: germline.

Illumina Laboratory Services, Illumina
Classification: Likely benign for Parkinson disease 17. Last evaluated: 2018-01-12. Review status: criteria provided, single submitter. Criteria: ICSL Variant Classification Criteria 13 December 2019. Collection method: clinical testing. Allele origin: germline.
Comment: This variant was observed in the ICSL laboratory as part of a predisposition screen in an ostensibly healthy population. It had not been previously curated by ICSL or reported in the Human Gene Mutation Database (HGMD: prior to June 1st, 2018), and was therefore a candidate for classification through an automated scoring system. Utilizing variant allele frequency, disease prevalence and penetrance estimates, and inheritance mode, an automated score was calculated to assess if this variant is too frequent to cause the disease. Based on the score and internal cut-off values, a variant classified as likely benign is not then subjected to further curation. The score for this variant resulted in a classification of likely benign for this disease.